The following is an entry in ClinVar:

NM_001376.5(DYNC1H1):c.6030G>A (p.Pro2010=)

Gene: DYNC1H1 (dynein cytoplasmic 1 heavy chain 1; plus strand). Cytogenetic location: 14q32.31.
Variant type: single nucleotide variant.
Coding change: c.6030G>A on transcript NM_001376.5 (MANE Select); coding-DNA position 6030, G replaced by A.
Protein change: p.Pro2010=; no amino-acid change (proline 2010 retained).
Molecular consequence: synonymous variant.
Genome position (GRCh38, 1-based): chr14:102,009,895, G>A. VCF-style: chr14-102009895-G-A. GRCh37 (hg19) VCF-style: chr14-102476232-G-A.
Identifiers: ClinVar variation 696864 (VCV000696864.18), dbSNP rs202004938, ClinGen allele CA7352544.

ClinVar aggregate classification (germline): Conflicting classifications of pathogenicity. Review status: criteria provided, conflicting classifications (1 of 4 stars). 7 submissions from 6 submitters: Uncertain significance (2); Benign (1); Likely benign (4). Last evaluated 2026-09-09.

Conditions:
Charcot-Marie-Tooth disease. Also called: Charcot-Marie-Tooth Hereditary Neuropathy; Charcot-Marie-Tooth Neuropathy. Identifiers: Orphanet 166, MedGen C0007959, MONDO:0015626.
Charcot-Marie-Tooth disease axonal type 2O. Also called: CHARCOT-MARIE-TOOTH NEUROPATHY, AXONAL, TYPE 2O; CHARCOT-MARIE-TOOTH DISEASE, AXONAL, AUTOSOMAL DOMINANT, TYPE 2O; Charcot-Marie-Tooth Neuropathy Type 2O; Charcot-Marie-Tooth disease, axonal, type 20. Identifiers: Orphanet 284232, MedGen C3280220, MONDO:0013644, OMIM 614228.
DYNC1H1-related disorder. Also called: DYNC1H1-related condition; DYNC1H1-related disorders. Identifiers: MedGen CN381529.
Autosomal dominant cerebellar ataxia. Also called: Spinocerebellar Ataxia, Dominant. Identifiers: Orphanet 99, MedGen C4087347, MONDO:0020380.
Inborn genetic diseases. Identifiers: MedGen C0950123, MeSH D030342.

Allele frequency attached by ClinVar (database versions not stated): ExAC 0.00002; gnomAD exomes 0.00002 and 0.00003; gnomAD 0.00007 and 0.00008; ESP Exome Variant Server 0.00008; TOPMed 0.00014.
gnomAD v4.1: 44 of 1,613,976 alleles (0.0027%); highest among the groups gnomAD compares: African/African-American, 0.019%; no homozygotes.

Submissions (7):

PreventionGenetics, part of Exact Sciences
Classification: Likely benign for DYNC1H1-related condition. Last evaluated: 2026-09-09. Review status: criteria provided, single submitter. Criteria: ACMG Guidelines, 2015. Collection method: clinical testing. Allele origin: germline.
Comment: This variant is classified as likely benign based on ACMG/AMP sequence variant interpretation guidelines (Richards et al. 2015 PMID: 25741868, with internal and published modifications).

Labcorp Genetics (formerly Invitae), Labcorp
Classification: Likely benign for Charcot-Marie-Tooth disease axonal type 2O. Last evaluated: 2025-09-23. Review status: criteria provided, single submitter. Criteria: Invitae Variant Classification Sherloc (09022015). Collection method: clinical testing. Allele origin: germline.

Blueprint Genetics
Classification: Likely benign. Last evaluated: 2024-07-05. Review status: criteria provided, single submitter. Criteria: ACMG Guidelines, 2015. Collection method: clinical testing. Allele origin: germline.

Ambry Genetics
Classification: Likely benign for Inborn genetic diseases. Last evaluated: 2019-04-04. Review status: criteria provided, single submitter. Criteria: Ambry Variant Classification Scheme 2023. Collection method: clinical testing. Allele origin: germline.

Illumina Laboratory Services, Illumina
Classification: Uncertain significance for Spinocerebellar Ataxia, Dominant. Last evaluated: 2018-01-15. Review status: criteria provided, single submitter. Criteria: ICSL Variant Classification Criteria 13 December 2019. Collection method: clinical testing. Allele origin: germline.

Illumina Laboratory Services, Illumina
Classification: Uncertain significance for Charcot-Marie-Tooth disease axonal type 2O. Last evaluated: 2018-01-15. Review status: criteria provided, single submitter. Criteria: ICSL Variant Classification Criteria 13 December 2019. Collection method: clinical testing. Allele origin: germline.

Molecular Genetics Laboratory, London Health Sciences Centre
Classification: Benign for Charcot-Marie-Tooth disease. Review status: criteria provided, single submitter. Criteria: ACMG Guidelines, 2015. Collection method: clinical testing. Allele origin: germline. Affected: yes.